The following is an entry in ClinVar:

NM_000238.4(KCNH2):c.114C>G (p.Asn38Lys)

Gene: KCNH2 (potassium voltage-gated channel subfamily H member 2; minus strand). Cytogenetic location: 7q36.1.
Variant type: single nucleotide variant.
Coding change: c.114C>G on transcript NM_000238.4 (MANE Select); coding-DNA position 114, C replaced by G.
Protein change: p.Asn38Lys; replaces asparagine 38 with lysine.
Molecular consequence: missense variant.
Genome position (GRCh38, 1-based): chr7:150,974,904, G>C on the plus strand (C>G on the coding strand, the complement: KCNH2 is on the minus strand). VCF-style: chr7-150974904-G-C. GRCh37 (hg19) VCF-style: chr7-150671992-G-C.
Other names: c.-64C>G (NM_001406755.1); c.114C>G, p.Asn38Lys (NM_172056.3); short protein forms N38K.
Identifiers: ClinVar variation 1495935 (VCV001495935.8), dbSNP rs2117063715, ClinGen allele CA369865916.

ClinVar aggregate classification (germline): Uncertain significance. Review status: criteria provided, multiple submitters, no conflicts (2 of 4 stars). 2 submissions from 2 submitters: Uncertain significance (2). Last evaluated 2026-07-06.

Conditions:
Cardiovascular phenotype. Identifiers: MedGen CN230736.
Long QT syndrome (LQTS). Identifiers: MedGen C0023976, MeSH D008133, MONDO:0002442. Disease mechanism: loss of function. Inheritance: Various modes of inheritance.

Submissions (2):

Ambry Genetics
Classification: Uncertain significance for Cardiovascular phenotype. Last evaluated: 2026-07-06. Review status: criteria provided, single submitter. Criteria: Ambry Variant Classification Scheme 2023. Collection method: clinical testing. Allele origin: germline.
Comment: The p.N38K variant (also known as c.114C>G), located in coding exon 2 of the KCNH2 gene, results from a C to G substitution at nucleotide position 114. The asparagine at codon 38 is replaced by lysine, an amino acid with similar properties. This amino acid position is conserved. In addition, the in silico prediction for this alteration is inconclusive. Based on the available evidence, the clinical significance of this variant remains unclear.

Labcorp Genetics (formerly Invitae), Labcorp
Classification: Uncertain significance for Long QT syndrome. Last evaluated: 2021-09-08. Review status: criteria provided, single submitter. Criteria: Invitae Variant Classification Sherloc (09022015). Collection method: clinical testing. Allele origin: germline.
Comment: This sequence change replaces asparagine with lysine at codon 38 of the KCNH2 protein (p.Asn38Lys). The asparagine residue is weakly conserved and there is a moderate physicochemical difference between asparagine and lysine. This variant is not present in population databases (ExAC no frequency). This variant has not been reported in the literature in individuals affected with KCNH2-related conditions. Algorithms developed to predict the effect of missense changes on protein structure and function (SIFT, PolyPhen-2, Align-GVGD) all suggest that this variant is likely to be tolerated. Algorithms developed to predict the effect of sequence changes on RNA splicing suggest that this variant may create or strengthen a splice site. In summary, the available evidence is currently insufficient to determine the role of this variant in disease. Therefore, it has been classified as a Variant of Uncertain Significance.